The following is an entry in ClinVar:

ClinVar aggregate classification (germline): Uncertain significance (1 of 4 stars; one submission).

Conditions:
Autosomal recessive limb-girdle muscular dystrophy type 2J (LGMDR10). Also called: Limb-girdle muscular dystrophy, type 2J; MUSCULAR DYSTROPHY, LIMB-GIRDLE, AUTOSOMAL RECESSIVE 10. Identifiers: Orphanet 140922, MedGen C1837342, MONDO:0012127, OMIM 608807.
Dilated cardiomyopathy 1G (CMD1G). Identifiers: Orphanet 154, MedGen C1858763, MONDO:0011400, OMIM 604145.

Submission:

Labcorp Genetics (formerly Invitae), Labcorp
Classification: Uncertain significance for Dilated cardiomyopathy 1G; Autosomal recessive limb-girdle muscular dystrophy type 2J. Last evaluated: 2022-07-18. Review status: criteria provided, single submitter. Criteria: Invitae Variant Classification Sherloc (09022015). Collection method: clinical testing. Allele origin: germline.
Comment: In summary, the available evidence is currently insufficient to determine the role of this variant in disease. Therefore, it has been classified as a Variant of Uncertain Significance. This variant is located in the M band of TTN (PMID: 25589632). Variants in this region may be relevant for neuromuscular disorders, but have not been definitively shown to cause cardiomyopathy (PMID: 23975875). Algorithms developed to predict the effect of missense changes on protein structure and function output the following: SIFT: "Not Available"; PolyPhen-2: "Not Available"; Align-GVGD: "Not Available". The histidine amino acid residue is found in multiple mammalian species, which suggests that this missense change does not adversely affect protein function. This variant has not been reported in the literature in individuals affected with TTN-related conditions. This variant is not present in population databases (gnomAD no frequency). This sequence change replaces tyrosine, which is neutral and polar, with histidine, which is basic and polar, at codon 34339 of the TTN protein (p.Tyr34339His).

Literature cited by the submitters: PubMed 25589632; PubMed 23975875.

NM_001267550.2(TTN):c.103015T>C (p.Tyr34339His)

Genes: TTN (titin; minus strand), TTN-AS1 (TTN antisense RNA 1; plus strand). Cytogenetic location: 2q31.2.
Variant type: single nucleotide variant.
Coding change: c.103015T>C on transcript NM_001267550.2 (MANE Select); coding-DNA position 103015, T replaced by C.
Protein change: p.Tyr34339His; replaces tyrosine 34339 with histidine.
Molecular consequence: missense variant.
Genome position (GRCh38, 1-based): chr2:178,533,600, A>G on the plus strand (T>C on the coding strand, the complement: TTN is on the minus strand). VCF-style: chr2-178533600-A-G. GRCh37 (hg19) VCF-style: chr2-179398327-A-G.
Other names: c.98092T>C, p.Tyr32698His (NM_001256850.1); c.75820T>C, p.Tyr25274His (NM_003319.4); c.95311T>C, p.Tyr31771His (NM_133378.4); c.76195T>C, p.Tyr25399His (NM_133432.3); c.76396T>C, p.Tyr25466His (NM_133437.4); short protein forms Y25466H, Y25274H, Y25399H, Y31771H, Y32698H, Y34339H.
Identifiers: ClinVar variation 2017659 (VCV002017659.4), dbSNP rs2468500071, ClinGen allele CA349415497.